The following is an entry in ClinVar:

ClinVar aggregate classification (germline): Pathogenic/Likely pathogenic. Review status: criteria provided, multiple submitters, no conflicts (2 of 4 stars). 2 submissions from 2 submitters: Pathogenic (1); Likely pathogenic (1). Last evaluated 2024-05-14.

Conditions:
Heimler syndrome 2 (HMLR2). Also called: PEROXISOME BIOGENESIS DISORDER 4C. Identifiers: Orphanet 3220, MedGen C4225267, OMIM 616617, MONDO:0014709.
Peroxisome biogenesis disorder 4A (Zellweger) (PBD4A). Also called: Zellweger syndrome spectrum (PEX6-related). Identifiers: Orphanet 912, MedGen C3553936, MONDO:0013930, OMIM 614862. Disease mechanism: loss of function.
Peroxisome biogenesis disorder 4B (PBD4B). Also called: SPINOCEREBELLAR ATAXIA WITH BLINDNESS AND DEAFNESS 1. Identifiers: Orphanet 44, Orphanet 95433, MedGen C3553937, MONDO:0013931, OMIM 614863.
Peroxisome biogenesis disorder. Identifiers: Orphanet 79189, MedGen C1832200, MONDO:0019234. Disease mechanism: loss of function.

Submissions (2):

Fulgent Genetics
Classification: Likely pathogenic for Peroxisome biogenesis disorder 4A (Zellweger); Peroxisome biogenesis disorder 4B; Heimler syndrome 2. Last evaluated: 2024-05-14. Review status: criteria provided, single submitter. Criteria: ACMG Guidelines, 2015. Collection method: clinical testing. Allele origin: germline.

Labcorp Genetics (formerly Invitae), Labcorp
Classification: Pathogenic for Peroxisome biogenesis disorder. Last evaluated: 2023-02-15. Review status: criteria provided, single submitter. Criteria: Invitae Variant Classification Sherloc (09022015). Collection method: clinical testing. Allele origin: germline.
Comment: This variant is not present in population databases (gnomAD no frequency). This variant has not been reported in the literature in individuals affected with PEX6-related conditions. This variant disrupts a region of the PEX6 protein in which other variant(s) (p.Pro274Leu) have been determined to be pathogenic (PMID: 15542397, 19877282, 24016303, 26387595). This suggests that this is a clinically significant region of the protein, and that variants that disrupt it are likely to be disease-causing. For these reasons, this variant has been classified as Pathogenic. This sequence change affects the initiator methionine of the PEX6 mRNA. The next in-frame methionine is located at codon 288.

Literature cited by the submitters: PubMed 15542397 (cited by Labcorp Genetics (formerly Invitae), Labcorp); PubMed 19877282 (cited by Labcorp Genetics (formerly Invitae), Labcorp); PubMed 24016303 (cited by Labcorp Genetics (formerly Invitae), Labcorp); PubMed 26387595 (cited by Labcorp Genetics (formerly Invitae), Labcorp).

NM_000287.4(PEX6):c.1A>T (p.Met1Leu)

Gene: PEX6 (peroxisomal biogenesis factor 6; minus strand). Cytogenetic location: 6p21.1.
Variant type: single nucleotide variant.
Coding change: c.1A>T on transcript NM_000287.4 (MANE Select); coding-DNA position 1, A replaced by T.
Protein change: p.Met1Leu; changes the start codon (methionine 1).
Molecular consequence: missense variant, initiator codon variant. On other transcripts: non-coding transcript variant (1).
Genome position (GRCh38, 1-based): chr6:42,979,150, T>A on the plus strand (A>T on the coding strand, the complement: PEX6 is on the minus strand). VCF-style: chr6-42979150-T-A. GRCh37 (hg19) VCF-style: chr6-42946888-T-A.
Other names: c.1A>T, p.Met1Leu (NM_001316313.2); short protein forms M1L.
Identifiers: ClinVar variation 2837695 (VCV002837695.4), dbSNP rs1212487109, ClinGen allele CA364170155.